The following is an entry in ClinVar:

ClinVar aggregate classification (germline): Pathogenic/Likely pathogenic. Review status: criteria provided, multiple submitters, no conflicts (2 of 4 stars). 2 submissions from 2 submitters: Pathogenic (1); Likely pathogenic (1). Last evaluated 2026-01-13.

Conditions:
Exostoses, multiple, type 2 (EXT2). Also called: Hereditary Multiple Osteochondromatosis, Type II; EXOSTOSES, MULTIPLE, TYPE II. Identifiers: Orphanet 321, MedGen C1851413, MONDO:0007586, OMIM 133701.
EXT2-related disorders.

Submissions (2):

Labcorp Genetics (formerly Invitae), Labcorp
Classification: Pathogenic for Exostoses, multiple, type 2. Last evaluated: 2026-01-13. Review status: criteria provided, single submitter. Criteria: Invitae Variant Classification Sherloc (09022015). Collection method: clinical testing. Allele origin: germline.
Comment: This sequence change creates a premature translational stop signal (p.Gln389*) in the EXT2 gene. It is expected to result in an absent or disrupted protein product. Loss-of-function variants in EXT2 are known to be pathogenic (PMID: 10679937, 19810120). This variant is not present in population databases (gnomAD no frequency). This variant has not been reported in the literature in individuals affected with EXT2-related conditions. For these reasons, this variant has been classified as Pathogenic.

Blueprint Genetics
Classification: Likely pathogenic for EXT2-related disorders. Last evaluated: 2019-06-19. Review status: criteria provided, single submitter. Criteria: ACMG Guidelines, 2015. Collection method: clinical testing. Allele origin: germline. Affected: yes. Observed: 1 variant allele.

Literature cited by the submitters: PubMed 10679937 (cited by Labcorp Genetics (formerly Invitae), Labcorp); PubMed 19810120 (cited by Labcorp Genetics (formerly Invitae), Labcorp).

NM_207122.2(EXT2):c.1165C>T (p.Gln389Ter)

Gene: EXT2 (exostosin glycosyltransferase 2; plus strand). Cytogenetic location: 11p11.2.
Variant type: single nucleotide variant.
Coding change: c.1165C>T on transcript NM_207122.2 (MANE Select); coding-DNA position 1165, C replaced by T.
Protein change: p.Gln389Ter; replaces glutamine 389 with a stop codon.
Molecular consequence: nonsense.
Genome position (GRCh38, 1-based): chr11:44,130,130, C>T. VCF-style: chr11-44130130-C-T. GRCh37 (hg19) VCF-style: chr11-44151680-C-T.
Other names: c.1264C>T, p.Gln422Ter (NM_000401.3); c.1165C>T, p.Gln389Ter (NM_001178083.3, NM_001389628.1, NM_001389630.1); short protein forms Q389*, Q422*.
Identifiers: ClinVar variation 4710762 (VCV004710762.2).